The following is an entry in ClinVar:

NM_001033855.3(DCLRE1C):c.41T>G (p.Ile14Ser)

Gene: DCLRE1C (DNA cross-link repair 1C; minus strand). Cytogenetic location: 10p13.
Variant type: single nucleotide variant.
Coding change: c.41T>G on transcript NM_001033855.3 (MANE Select); coding-DNA position 41, T replaced by G.
Protein change: p.Ile14Ser; replaces isoleucine 14 with serine.
Molecular consequence: missense variant. On other transcripts: 5 prime UTR variant (9), non-coding transcript variant (4).
Genome position (GRCh38, 1-based): chr10:14,953,970, A>C on the plus strand (T>G on the coding strand, the complement: DCLRE1C is on the minus strand). VCF-style: chr10-14953970-A-C. GRCh37 (hg19) VCF-style: chr10-14995969-A-C.
Other names: NM_001033855.3(DCLRE1C):c.41T>G; p.Ile14Ser; c.-405T>G (NM_001033857.3, NM_001350967.2); c.-727T>G (NM_001033858.3); c.-164T>G (NM_001289076.2); c.-451T>G (NM_001289077.2); c.-197T>G (NM_001289078.2, NM_001350966.2); c.-773T>G (NM_001289079.2); and 2 more; short protein forms I14S.
Identifiers: ClinVar variation 661326 (VCV000661326.7), dbSNP rs752159513, ClinGen allele CA5417042.
Genomic context (GRCh38, chr10:14,953,970, plus strand): 5'-CAGTGGGACAGGAAGTAGGCGCGGGCCCTCAGGTTCTCCCTATCGAAGCGGTCTATGGAG[A>C]TAGTTGGATACTCGGCCATCTGCCCCTCGAAAGAACTCATAGCGCCGCCGATCCCAGAGT-3'
Protein context (NP_001029027.1, residues 4-24): FEGQMAEYPT[Ile14Ser]SIDRFDRENL

ClinVar aggregate classification (germline): Uncertain significance. Review status: reviewed by expert panel (3 of 4 stars). 3 submissions from 3 submitters: Uncertain significance (1). 2 of the submissions do not count toward it. Last evaluated 2024-04-01.

Conditions:
Athabaskan severe combined immunodeficiency (SCIDA). Also called: Severe combined immunodeficiency, athabascan-type. Identifiers: MedGen C1865370.
Severe combined immunodeficiency due to DCLRE1C deficiency (RS-SCID). Also called: SCID, AUTOSOMAL RECESSIVE, T CELL-NEGATIVE, B CELL-NEGATIVE, NK CELL-POSITIVE, WITH SENSITIVITY TO IONIZING RADIATION. Identifiers: Orphanet 275, MedGen C1865371, MONDO:0011225, OMIM 602450.

Allele frequency attached by ClinVar (database versions not stated): TOPMed below 0.00001; ExAC 0.00001; gnomAD exomes below 0.00001.
gnomAD v4.1: 1 of 1,613,980 alleles (0.000062%); no homozygotes.

Submissions (3):

ClinGen Severe Combined Immunodeficiency Variant Curation Expert Panel, ClinGen
Classification: Uncertain significance for Severe combined immunodeficiency due to DCLRE1C deficiency. Last evaluated: 2024-04-01. Review status: reviewed by expert panel. Criteria: ClinGen SCID ACMG Specifications DCLRE1C V1.0.0. Collection method: curation. Allele origin: germline. Inheritance: Autosomal recessive inheritance.
Comment: The c.41T>G (NM_001033855.3) variant in DCLRE1C is a missense variant predicted to cause substitution of Isoleucine by Serine at amino acid 14 (p.Ile14Ser). The highest population minor allele frequency in gnomAD v4 is 0.00004767 (1/20976 alleles) in the Ashkenazi Jewish population. As this is a bottleneck population, and no other alleles have been described there, PM2_Supporting is applied (PM2_Supporting). Allele frequency considering all exomes is 0.000001591, 1/628624 alleles. To our knowledge, this variant has not been reported in the literature in individuals affected with DCLRE1C-related conditions or in functional studies. In summary, this variant is classified as a variant of uncertain significance for autosomal recessive severe combined immunodeficiency due to DCLRE1C deficiency, based on ACMG/AMP criteria applied, as specified by the ClinGen SCID VCEP (specification version 1.0): PM2_Supporting.

Labcorp Genetics (formerly Invitae), Labcorp
Classification: Uncertain significance for Athabaskan severe combined immunodeficiency. Last evaluated: 2021-08-27. Review status: criteria provided, single submitter. Criteria: Invitae Variant Classification Sherloc (09022015). Collection method: clinical testing. Allele origin: germline. Not counted in ClinVar's aggregate classification.
Comment: This sequence change replaces isoleucine with serine at codon 14 of the DCLRE1C protein (p.Ile14Ser). The isoleucine residue is moderately conserved and there is a large physicochemical difference between isoleucine and serine. This variant is present in population databases (rs752159513, ExAC 0.002%). This variant has not been reported in the literature in individuals affected with DCLRE1C-related conditions. Algorithms developed to predict the effect of missense changes on protein structure and function are either unavailable or do not agree on the potential impact of this missense change (SIFT: "Tolerated"; PolyPhen-2: "Possibly Damaging"; Align-GVGD: "Class C15"). In summary, the available evidence is currently insufficient to determine the role of this variant in disease. Therefore, it has been classified as a Variant of Uncertain Significance.

Natera, Inc.
Classification: Uncertain significance for Athabascan severe combined immunodeficiency. Last evaluated: 2020-11-10. Review status: no assertion criteria provided. Collection method: clinical testing. Allele origin: germline. Not counted in ClinVar's aggregate classification.